The following is an entry in ClinVar:

ClinVar aggregate classification (germline): Uncertain significance. Review status: criteria provided, multiple submitters, no conflicts (2 of 4 stars). 2 submissions from 2 submitters: Uncertain significance (2). Last evaluated 2025-08-15.

Conditions:
Hereditary cancer-predisposing syndrome. Also called: Hereditary neoplastic syndrome; Tumor predisposition; Neoplastic Syndromes, Hereditary; Hereditary Cancer Syndrome. Identifiers: Orphanet 140162, MedGen C0027672, MeSH D009386, MONDO:0015356.
Ataxia-telangiectasia syndrome (AT). Also called: AT, COMPLEMENTATION GROUP C; Ataxia telangiectasia (A-T); Cerebello-oculocutaneous telangiectasia; Immunodeficiency with ataxia telangiectasia; LOUIS-BAR SYNDROME; Ataxia-telangiectasia. Identifiers: Orphanet 100, MedGen C0004135, MONDO:0008840, OMIM 208900.

Submissions (2):

Ambry Genetics
Classification: Uncertain significance for Hereditary cancer-predisposing syndrome. Last evaluated: 2025-08-15. Review status: criteria provided, single submitter. Criteria: Ambry Variant Classification Scheme 2023. Collection method: clinical testing. Allele origin: germline.
Comment: The p.M94K variant (also known as c.281T>A), located in coding exon 3 of the ATM gene, results from a T to A substitution at nucleotide position 281. The methionine at codon 94 is replaced by lysine, an amino acid with similar properties. This amino acid position is conserved. In addition, the in silico prediction for this alteration is inconclusive. Based on the available evidence, the clinical significance of this variant remains unclear.

Labcorp Genetics (formerly Invitae), Labcorp
Classification: Uncertain significance for Ataxia-telangiectasia syndrome. Last evaluated: 2019-10-03. Review status: criteria provided, single submitter. Criteria: Invitae Variant Classification Sherloc (09022015). Collection method: clinical testing. Allele origin: germline.
Comment: This variant has not been reported in the literature in individuals with ATM-related conditions. Algorithms developed to predict the effect of missense changes on protein structure and function are either unavailable or do not agree on the potential impact of this missense change (SIFT: "Tolerated"; PolyPhen-2: "Possibly Damaging"; Align-GVGD: "Class C0"). In summary, the available evidence is currently insufficient to determine the role of this variant in disease. Therefore, it has been classified as a Variant of Uncertain Significance. This sequence change replaces methionine with lysine at codon 94 of the ATM protein (p.Met94Lys). The methionine residue is moderately conserved and there is a moderate physicochemical difference between methionine and lysine. This variant is not present in population databases (ExAC no frequency).

NM_000051.4(ATM):c.281T>A (p.Met94Lys)

Gene: ATM (ATM serine/threonine kinase; plus strand). Cytogenetic location: 11q22.3.
Variant type: single nucleotide variant.
Coding change: c.281T>A on transcript NM_000051.4 (MANE Select); coding-DNA position 281, T replaced by A.
Protein change: p.Met94Lys; replaces methionine 94 with lysine.
Molecular consequence: missense variant.
Genome position (GRCh38, 1-based): chr11:108,229,273, T>A. VCF-style: chr11-108229273-T-A. GRCh37 (hg19) VCF-style: chr11-108100000-T-A.
Other names: c.281T>A, p.Met94Lys (NM_001351834.2, NM_001351835.2, NM_001351836.2); short protein forms M94K.
Identifiers: ClinVar variation 961129 (VCV000961129.10), dbSNP rs2078889761, ClinGen allele CA382521683.